The following is an entry in ClinVar:

NM_033305.3(VPS13A):c.7490G>A (p.Arg2497His)

Gene: VPS13A (vacuolar protein sorting 13 homolog A; plus strand). Cytogenetic location: 9q21.2.
Variant type: single nucleotide variant.
Coding change: c.7490G>A on transcript NM_033305.3 (MANE Select); coding-DNA position 7490, G replaced by A.
Protein change: p.Arg2497His; replaces arginine 2497 with histidine.
Molecular consequence: missense variant.
Genome position (GRCh38, 1-based): chr9:77,353,479, G>A. VCF-style: chr9-77353479-G-A. GRCh37 (hg19) VCF-style: chr9-79968395-G-A.
Other names: c.7373G>A, p.Arg2458His (NM_001018037.2); c.7490G>A, p.Arg2497His (NM_001018038.3, NM_015186.4); short protein forms R2497H, R2458H.
Identifiers: ClinVar variation 367414 (VCV000367414.7), dbSNP rs766585218, ClinGen allele CA5093370.

ClinVar aggregate classification (germline): Uncertain significance. Review status: criteria provided, multiple submitters, no conflicts (2 of 4 stars). 3 submissions from 3 submitters: Uncertain significance (3). Last evaluated 2021-09-24.

Conditions:
VPS13A-related neurodegenerative disease. Also called: Choreoacanthocytosis; Chorea-acanthocytosis; LEVINE-CRITCHLEY SYNDROME; Choreaacanthocytosis; ACANTHOCYTOSIS WITH NEUROLOGIC DISORDER; VPS13A Disease. Identifiers: Orphanet 2388, MedGen C0393576, MONDO:0008695, OMIM 200150.

Allele frequency attached by ClinVar (database versions not stated): TOPMed below 0.00001; ExAC 0.00001; gnomAD exomes 0.00001.
gnomAD v4.1: 17 of 1,612,064 alleles (0.0011%); highest among the groups gnomAD compares: Admixed American, 0.0017%; no homozygotes.

Submissions (3):

Labcorp Genetics (formerly Invitae), Labcorp
Classification: Uncertain significance. Last evaluated: 2021-09-24. Review status: criteria provided, single submitter. Criteria: Invitae Variant Classification Sherloc (09022015). Collection method: clinical testing. Allele origin: germline.
Comment: This sequence change replaces arginine with histidine at codon 2497 of the VPS13A protein (p.Arg2497His). The arginine residue is moderately conserved and there is a small physicochemical difference between arginine and histidine. This variant is present in population databases (rs766585218, ExAC 0.002%). This variant has not been reported in the literature in individuals with VPS13A-related conditions. ClinVar contains an entry for this variant (Variation ID: 367414). Algorithms developed to predict the effect of missense changes on protein structure and function are either unavailable or do not agree on the potential impact of this missense change (SIFT: "Deleterious"; PolyPhen-2: "Probably Damaging"; Align-GVGD: "Class C0"). In summary, the available evidence is currently insufficient to determine the role of this variant in disease. Therefore, it has been classified as a Variant of Uncertain Significance.

Baylor Genetics
Classification: Uncertain significance for VPS13A-related neurodegenerative disease. Last evaluated: 2020-05-05. Review status: criteria provided, single submitter. Criteria: ACMG Guidelines, 2015. Collection method: clinical testing. Allele origin: unknown. Affected: yes.
Comment: This variant was determined to be of uncertain significance according to ACMG Guidelines, 2015 [PMID:25741868].

Illumina Laboratory Services, Illumina
Classification: Uncertain significance for VPS13A-related neurodegenerative disease. Last evaluated: 2018-01-13. Review status: criteria provided, single submitter. Criteria: ICSL Variant Classification Criteria 13 December 2019. Collection method: clinical testing. Allele origin: germline.